The following is an entry in ClinVar:

NM_001122659.3(EDNRB):c.1059T>G (p.Asn353Lys)

Genes: EDNRB (endothelin receptor type B; minus strand), EDNRB-AS1 (EDNRB antisense RNA 1; plus strand). Cytogenetic location: 13q22.3.
Variant type: single nucleotide variant.
Coding change: c.1059T>G on transcript NM_001122659.3 (MANE Select); coding-DNA position 1059, T replaced by G.
Protein change: p.Asn353Lys; replaces asparagine 353 with lysine.
Molecular consequence: missense variant.
Genome position (GRCh38, 1-based): chr13:77,900,547, A>C on the plus strand (T>G on the coding strand, the complement: EDNRB is on the minus strand). VCF-style: chr13-77900547-A-C. GRCh37 (hg19) VCF-style: chr13-78474682-A-C.
Other names: c.1059T>G, p.Asn353Lys (NM_000115.5, NM_003991.4); c.1329T>G, p.Asn443Lys (NM_001201397.2); short protein forms N443K, N353K.
Identifiers: ClinVar variation 3893125 (VCV003893125.2).

ClinVar aggregate classification (germline): Uncertain significance. Review status: criteria provided, multiple submitters, no conflicts (2 of 4 stars). 2 submissions from 2 submitters: Uncertain significance (2). Last evaluated 2025-03-17.

Conditions:
ABCD syndrome (ABCDS). Identifiers: MedGen C1838099, MONDO:0010895, OMIM 600501.
Hirschsprung disease, susceptibility to, 2. Identifiers: Orphanet 388, MedGen C1838564, MONDO:0010833, OMIM 600155.
Waardenburg syndrome type 4A (WS4A). Also called: WAARDENBURG SYNDROME WITH HIRSCHSPRUNG DISEASE, TYPE 4A. Identifiers: Orphanet 897, MedGen C1848519, MONDO:0010192, OMIM 277580.

gnomAD v4.1: 3 of 1,612,468 alleles (0.00019%); highest among the groups gnomAD compares: Non-Finnish European, 0.00025%; no homozygotes.

Submissions (2):

Labcorp Genetics (formerly Invitae), Labcorp
Classification: Uncertain significance. Last evaluated: 2025-03-17. Review status: criteria provided, single submitter. Criteria: Invitae Variant Classification Sherloc (09022015). Collection method: clinical testing. Allele origin: germline.
Comment: This sequence change replaces asparagine, which is neutral and polar, with lysine, which is basic and polar, at codon 353 of the EDNRB protein (p.Asn353Lys). This variant is present in population databases (no rsID available, gnomAD 0.0009%). This variant has not been reported in the literature in individuals affected with EDNRB-related conditions. Invitae Evidence Modeling of protein sequence and biophysical properties (such as structural, functional, and spatial information, amino acid conservation, physicochemical variation, residue mobility, and thermodynamic stability) indicates that this missense variant is not expected to disrupt EDNRB protein function with a negative predictive value of 80%. In summary, the available evidence is currently insufficient to determine the role of this variant in disease. Therefore, it has been classified as a Variant of Uncertain Significance.

Department of Pathology and Laboratory Medicine, Sinai Health System
Classification: Uncertain significance for Waardenburg syndrome type 4A; Hirschsprung disease, susceptibility to, 2; ABCD syndrome. Last evaluated: 2021-07-30. Review status: criteria provided, single submitter. Criteria: ACMG Guidelines, 2015. Collection method: research. Allele origin: germline.